The following is an entry in ClinVar:

ClinVar aggregate classification (germline): Pathogenic (1 of 4 stars; one submission).

Conditions:
Hereditary insensitivity to pain with anhidrosis (CIPA). Also called: FAMILIAL DYSAUTONOMIA, TYPE II; NEUROPATHY, CONGENITAL SENSORY, WITH ANHIDROSIS; NTRK1 Congenital Insensitivity to Pain with Anhidrosis; HSAN Type IV; INSENSITIVITY TO PAIN, CONGENITAL, WITH ANHIDROSIS; hereditary sensory and autonomic neuropathy type 4. Identifiers: Orphanet 642, MedGen C0020074, MONDO:0009746, OMIM 256800.

Submission:

Labcorp Genetics (formerly Invitae), Labcorp
Classification: Pathogenic for Hereditary insensitivity to pain with anhidrosis. Last evaluated: 2023-10-29. Review status: criteria provided, single submitter. Criteria: Invitae Variant Classification Sherloc (09022015). Collection method: clinical testing. Allele origin: germline.
Comment: This sequence change results in a frameshift in the NTRK1 gene (p.Arg738Leufs*105). While this is not anticipated to result in nonsense mediated decay, it is expected to disrupt the last 53 amino acid(s) of the NTRK1 protein and extend the protein by 51 additional amino acid residues. This variant is not present in population databases (gnomAD no frequency). This variant has not been reported in the literature in individuals affected with NTRK1-related conditions. This variant disrupts a region of the NTRK1 protein in which other variant(s) (p.Arg765Cys) have been determined to be pathogenic (PMID: 27265460, 27676246, 32219930). This suggests that this is a clinically significant region of the protein, and that variants that disrupt it are likely to be disease-causing. For these reasons, this variant has been classified as Pathogenic.

Literature cited by the submitters: PubMed 27265460; PubMed 27676246; PubMed 32219930.

NM_002529.4(NTRK1):c.2231_2286del (p.Arg744fs)

Gene: NTRK1 (neurotrophic receptor tyrosine kinase 1; plus strand). Cytogenetic location: 1q23.1.
Variant type: Deletion.
Coding change: c.2231_2286del on transcript NM_002529.4 (MANE Select); coding-DNA positions 2231 to 2286, 56 bases deleted.
Protein change: p.Arg744fs; shifts the reading frame from arginine 744.
Molecular consequence: frameshift variant.
Genome position (GRCh38, 1-based): chr1:156,881,482-156,881,537, 56 bases deleted. GRCh37 (hg19): chr1:156,851,274-156,851,329.
Other names: c.2231_2286del56, p.Arg744Leufs (NM_001007204.1); c.2123_2178del, p.Arg708fs (NM_001007792.1); c.2213_2268del, p.Arg738fs (NM_001012331.2); short protein forms R738fs, R708fs, R744fs.
Identifiers: ClinVar variation 2772649 (VCV002772649.3), dbSNP rs2525667534, ClinGen allele CA2697554596.